The following is an entry in ClinVar:

NM_000191.3(HMGCL):c.800C>A (p.Pro267His)

Gene: HMGCL (3-hydroxy-3-methylglutaryl-CoA lyase; minus strand). Cytogenetic location: 1p36.11.
Variant type: single nucleotide variant.
Coding change: c.800C>A on transcript NM_000191.3 (MANE Select); coding-DNA position 800, C replaced by A.
Protein change: p.Pro267His; replaces proline 267 with histidine.
Molecular consequence: missense variant.
Genome position (GRCh38, 1-based): chr1:23,804,476, G>T on the plus strand (C>A on the coding strand, the complement: HMGCL is on the minus strand). VCF-style: chr1-23804476-G-T. GRCh37 (hg19) VCF-style: chr1-24130966-G-T.
Other names: c.587C>A, p.Pro196His (NM_001166059.2); short protein forms P267H, P196H.
Identifiers: ClinVar variation 644429 (VCV000644429.9), dbSNP rs750347526, ClinGen allele CA339021213.

ClinVar aggregate classification (germline): Uncertain significance. Review status: criteria provided, single submitter (1 of 4 stars). 2 submissions from 2 submitters: Uncertain significance (1). 1 of the submissions does not count toward it. Last evaluated 2022-05-11.

Conditions:
Long chain 3-hydroxyacyl-CoA dehydrogenase deficiency. Also called: Deficiency of long-chain 3-hydroxyacyl-coenzyme A dehydrogenase; LCHAD Deficiency. Identifiers: Orphanet 5, MedGen C3711645, MONDO:0012173, OMIM 609016.
Deficiency of hydroxymethylglutaryl-CoA lyase (HMGCLD). Also called: Defect in leucine metabolism; 3-hydroxy-3-methylglutaric aciduria; HMGCL DEFICIENCY; HYDROXYMETHYLGLUTARIC ACIDURIA; HMG-CoA LYASE DEFICIENCY. Identifiers: Orphanet 20, MedGen C1533587, MONDO:0009520, OMIM 246450.

gnomAD v4.1: 6 of 1,614,052 alleles (0.00037%); highest among the groups gnomAD compares: Non-Finnish European, 0.00051%; no homozygotes.

Submissions (2):

Labcorp Genetics (formerly Invitae), Labcorp
Classification: Uncertain significance for Deficiency of hydroxymethylglutaryl-CoA lyase. Last evaluated: 2022-05-11. Review status: criteria provided, single submitter. Criteria: Invitae Variant Classification Sherloc (09022015). Collection method: clinical testing. Allele origin: germline.
Comment: This sequence change replaces proline, which is neutral and non-polar, with histidine, which is basic and polar, at codon 267 of the HMGCL protein (p.Pro267His). In summary, the available evidence is currently insufficient to determine the role of this variant in disease. Therefore, it has been classified as a Variant of Uncertain Significance. Algorithms developed to predict the effect of missense changes on protein structure and function (SIFT, PolyPhen-2, Align-GVGD) all suggest that this variant is likely to be disruptive. ClinVar contains an entry for this variant (Variation ID: 644429). This variant has not been reported in the literature in individuals affected with HMGCL-related conditions. This variant is not present in population databases (gnomAD no frequency).

Natera, Inc.
Classification: Uncertain significance for Deficiency of long-chain 3-hydroxyacyl-coenzyme A dehydrogenase. Last evaluated: 2021-04-19. Review status: no assertion criteria provided. Collection method: clinical testing. Allele origin: germline. Not counted in ClinVar's aggregate classification.